The following is an entry in ClinVar:

ClinVar aggregate classification (germline): Benign. Review status: criteria provided, multiple submitters, no conflicts (2 of 4 stars). 5 submissions from 5 submitters: Benign (5). Last evaluated 2026-01-12.

Conditions:
Cataract 5 multiple types (CTRCT5). Also called: Lamellar cataract; CATARACT, MARNER TYPE; CATARACT 5, LAMELLAR. Identifiers: Orphanet 91492, MedGen C0266537, MONDO:0007290, OMIM 116800, HP:0007971.

Allele frequency attached by ClinVar (database versions not stated): gnomAD exomes 0.00917 and 0.02184; ExAC 0.03116; ESP Exome Variant Server 0.03699; gnomAD 0.04807 and 0.04892; TOPMed 0.05100; 1000 Genomes Project 0.06969; 1000 Genomes Project 30x 0.06996.

Submissions (5):

Labcorp Genetics (formerly Invitae), Labcorp
Classification: Benign for Cataract 5 multiple types. Last evaluated: 2026-01-12. Review status: criteria provided, single submitter. Criteria: Invitae Variant Classification Sherloc (09022015). Collection method: clinical testing. Allele origin: germline.

GeneDx
Classification: Benign. Last evaluated: 2018-07-31. Review status: criteria provided, single submitter. Criteria: GeneDx Variant Classification Process June 2021. Collection method: clinical testing. Allele origin: germline. Affected: yes.

Illumina Laboratory Services, Illumina
Classification: Benign for Cataract 5 multiple types. Last evaluated: 2018-01-13. Review status: criteria provided, single submitter. Criteria: ICSL Variant Classification Criteria 13 December 2019. Collection method: clinical testing. Allele origin: germline.
Comment: This variant was observed in the ICSL laboratory as part of a predisposition screen in an ostensibly healthy population. It had not been previously curated by ICSL or reported in the Human Gene Mutation Database (HGMD: prior to June 1st, 2018), and was therefore a candidate for classification through an automated scoring system. Utilizing variant allele frequency, disease prevalence and penetrance estimates, and inheritance mode, an automated score was calculated to assess if this variant is too frequent to cause the disease. Based on the score and internal cut-off values, a variant classified as benign is not then subjected to further curation. The score for this variant resulted in a classification of benign for this disease.

Breakthrough Genomics
Classification: Benign. Review status: criteria provided, single submitter. Criteria: ACMG Guidelines, 2015. Collection method: not provided. Allele origin: germline. Inheritance: Autosomal dominant inheritance. Affected: yes.

PreventionGenetics, part of Exact Sciences
Classification: Benign. Review status: criteria provided, single submitter. Criteria: ACMG Guidelines, 2015. Collection method: clinical testing. Allele origin: germline.

NM_001374675.1(HSF4):c.123+9C>T

Gene: HSF4 (heat shock transcription factor 4; plus strand). Cytogenetic location: 16q22.1.
Variant type: single nucleotide variant.
Coding change: c.123+9C>T on transcript NM_001374675.1 (MANE Select); 9 bases into the intron after coding-DNA position 123, C replaced by T.
Molecular consequence: intron variant.
Genome position (GRCh38, 1-based): chr16:67,164,943, C>T. VCF-style: chr16-67164943-C-T. GRCh37 (hg19) VCF-style: chr16-67198846-C-T.
Other names: c.123+9C>T (NM_001538.4, NM_001040667.3, NM_001374674.1).
Identifiers: ClinVar variation 258163 (VCV000258163.18), dbSNP rs115335849, ClinGen allele CA8101696.